The following is an entry in ClinVar:

NM_153717.3(EVC):c.1127C>T (p.Ala376Val)

Gene: EVC (EvC ciliary complex subunit 1; plus strand). Cytogenetic location: 4p16.2.
Variant type: single nucleotide variant.
Coding change: c.1127C>T on transcript NM_153717.3 (MANE Select); coding-DNA position 1127, C replaced by T.
Protein change: p.Ala376Val; replaces alanine 376 with valine.
Molecular consequence: missense variant.
Genome position (GRCh38, 1-based): chr4:5,752,864, C>T. VCF-style: chr4-5752864-C-T. GRCh37 (hg19) VCF-style: chr4-5754591-C-T.
Other names: c.1127C>T, p.Ala376Val (NM_001306090.2, NM_001306092.2); short protein forms A376V.
Identifiers: ClinVar variation 199191 (VCV000199191.32), dbSNP rs142535134, ClinGen allele CA203793.

ClinVar aggregate classification (germline): Benign/Likely benign. Review status: criteria provided, multiple submitters, no conflicts (2 of 4 stars). 9 submissions from 9 submitters: Benign (1); Likely benign (7). 1 of the submissions does not count toward it. Last evaluated 2026-06-03.

Conditions:
Curry-Hall syndrome (WAD). Also called: WEYERS ACRODENTAL DYSOSTOSIS. Identifiers: Orphanet 952, MedGen C0457013, MONDO:0008673, OMIM 193530.
Ellis-van Creveld syndrome (EVC). Also called: Chondroectodermal dysplasia; MESOECTODERMAL DYSPLASIA. Identifiers: Orphanet 289, MedGen C0013903, MONDO:0009162, OMIM 225500.

Allele frequency attached by ClinVar (database versions not stated): gnomAD exomes 0.00024 and 0.00074; ExAC 0.00087; 1000 Genomes Project 0.00240; 1000 Genomes Project 30x 0.00281; gnomAD 0.00287 and 0.00309; TOPMed 0.00312; ESP Exome Variant Server 0.00323.
gnomAD v4.1: 799 of 1,614,198 alleles (0.049%); highest among the groups gnomAD compares: African/African-American, 0.95%; 1 homozygote.

Submissions (9):

Women's Health and Genetics/Laboratory Corporation of America, LabCorp
Classification: Likely benign. Last evaluated: 2026-06-03. Review status: criteria provided, single submitter. Criteria: LabCorp Variant Classification Summary - May 2015. Collection method: clinical testing. Allele origin: germline.
Comment: Variant summary: EVC c.1127C>T (p.Ala376Val) results in a non-conservative amino acid change in the encoded protein sequence. Algorithms developed to predict the effect of missense changes on protein structure and function are either unavailable or do not agree on the potential impact of this missense change. The variant allele was found at a frequency of 0.00074 in 251178 control chromosomes, predominantly at a frequency of 0.01 within the African or African-American subpopulation in the gnomAD database. The observed variant frequency within African or African-American control individuals in the gnomAD database exceeds the estimated maximal expected allele frequency for disease-causing variants in EVC. To our knowledge, no occurrence of c.1127C>T in individuals affected with EVC-related conditions and no experimental evidence demonstrating its impact on protein function have been reported. ClinVar contains an entry for this variant (Variation ID: 199191). Based on the evidence outlined above, the variant was classified as likely benign.

Labcorp Genetics (formerly Invitae), Labcorp
Classification: Likely benign for Curry-Hall syndrome; Ellis-van Creveld syndrome. Last evaluated: 2026-01-25. Review status: criteria provided, single submitter. Criteria: Invitae Variant Classification Sherloc (09022015). Collection method: clinical testing. Allele origin: germline.

Blueprint Genetics
Classification: Likely benign. Last evaluated: 2024-06-27. Review status: criteria provided, single submitter. Criteria: ACMG Guidelines, 2015. Collection method: clinical testing. Allele origin: germline.

GeneDx
Classification: Likely benign. Last evaluated: 2021-03-15. Review status: criteria provided, single submitter. Criteria: GeneDx Variant Classification Process June 2021. Collection method: clinical testing. Allele origin: germline. Affected: yes.
Comment: This variant is associated with the following publications: (PMID: 24863959)

ARUP Laboratories, Molecular Genetics and Genomics, ARUP Laboratories
Classification: Likely benign. Last evaluated: 2020-07-02. Review status: criteria provided, single submitter. Criteria: ARUP Molecular Germline Variant Investigation Process. Collection method: clinical testing. Allele origin: germline.

Illumina Laboratory Services, Illumina
Classification: Likely benign for Ellis-van Creveld syndrome. Last evaluated: 2018-01-13. Review status: criteria provided, single submitter. Criteria: ICSL Variant Classification Criteria 13 December 2019. Collection method: clinical testing. Allele origin: germline.
Comment: This variant was observed in the ICSL laboratory as part of a predisposition screen in an ostensibly healthy population. It had not been previously curated by ICSL or reported in the Human Gene Mutation Database (HGMD: prior to June 1st, 2018), and was therefore a candidate for classification through an automated scoring system. Utilizing variant allele frequency, disease prevalence and penetrance estimates, and inheritance mode, an automated score was calculated to assess if this variant is too frequent to cause the disease. Based on the score and internal cut-off values, a variant classified as likely benign is not then subjected to further curation. The score for this variant resulted in a classification of likely benign for this disease.

Eurofins Ntd Llc (ga)
Classification: Benign. Last evaluated: 2014-05-27. Review status: criteria provided, single submitter. Criteria: EGL Classification Definitions 2015. Collection method: clinical testing. Allele origin: germline. Observed: 1 variant allele, 1 heterozygote.

PreventionGenetics, part of Exact Sciences
Classification: Likely benign. Review status: criteria provided, single submitter. Criteria: ACMG Guidelines, 2015. Collection method: clinical testing. Allele origin: germline.

Natera, Inc.
Classification: Likely benign for Ellis-van Creveld syndrome. Last evaluated: 2020-09-16. Review status: no assertion criteria provided. Collection method: clinical testing. Allele origin: germline. Not counted in ClinVar's aggregate classification.